The following is an entry in ClinVar:

NM_001491.3(GCNT2):c.403A>G (p.Lys135Glu)

Gene: GCNT2 (glucosaminyl (N-acetyl) transferase 2 (I blood group); plus strand). Cytogenetic location: 6p24.3.
Variant type: single nucleotide variant.
Coding change: c.403A>G on transcript NM_001491.3 (MANE Plus Clinical); coding-DNA position 403, A replaced by G.
Protein change: p.Lys135Glu; replaces lysine 135 with glutamic acid.
Molecular consequence: missense variant. On other transcripts: intron variant (2).
Genome position (GRCh38, 1-based): chr6:10,556,826, A>G. VCF-style: chr6-10556826-A-G. GRCh37 (hg19) VCF-style: chr6-10557059-A-G.
Other names: c.925+26990A>G (NM_145649.5, NM_001374747.1); c.403A>G (NM_001491.2); short protein forms K135E.
Identifiers: ClinVar variation 1492800 (VCV001492800.9), dbSNP rs770940749, ClinGen allele CA3631998.
Genomic context (GRCh38, chr6:10,556,826, plus strand): 5'-ATTTACATGCCCCAAAATATCTACTGTGTTCATGTGGATGAAAAAGCAACAACTGAATTT[A>G]AAGATGCGGTAGAGCAACTATTAAGCTGCTTCCCAAACGCTTTTCTGGCTTCCAAGATGG-3'
Protein context (NP_001482.1, residues 125-145): HVDEKATTEF[Lys135Glu]DAVEQLLSCF

ClinVar aggregate classification (germline): Uncertain significance. Review status: criteria provided, multiple submitters, no conflicts (2 of 4 stars). 2 submissions from 2 submitters: Uncertain significance (2). Last evaluated 2025-02-10.

Conditions:
Cataract 13 with adult I phenotype. Identifiers: Orphanet 91492, MedGen C3805373, MONDO:0007289, OMIM 116700.
Inborn genetic diseases. Identifiers: MedGen C0950123, MeSH D030342.

Allele frequency attached by ClinVar (database versions not stated): gnomAD 0.00001; TOPMed 0.00002; ExAC 0.00003; gnomAD exomes 0.00003 and 0.00009.
gnomAD v4.1: 124 of 1,614,114 alleles (0.0077%); highest among the groups gnomAD compares: Non-Finnish European, 0.01%; no homozygotes.

Submissions (2):

Labcorp Genetics (formerly Invitae), Labcorp
Classification: Uncertain significance for Cataract 13 with adult I phenotype. Last evaluated: 2025-02-10. Review status: criteria provided, single submitter. Criteria: Invitae Variant Classification Sherloc (09022015). Collection method: clinical testing. Allele origin: germline.
Comment: This sequence change replaces lysine, which is basic and polar, with glutamic acid, which is acidic and polar, at codon 135 of the GCNT2 protein (p.Lys135Glu). This variant is present in population databases (rs770940749, gnomAD 0.004%). This variant has not been reported in the literature in individuals affected with GCNT2-related conditions. ClinVar contains an entry for this variant (Variation ID: 1492800). Invitae Evidence Modeling of protein sequence and biophysical properties (such as structural, functional, and spatial information, amino acid conservation, physicochemical variation, residue mobility, and thermodynamic stability) has been performed for this missense variant. However, the output from this modeling did not meet the statistical confidence thresholds required to predict the impact of this variant on GCNT2 protein function. In summary, the available evidence is currently insufficient to determine the role of this variant in disease. Therefore, it has been classified as a Variant of Uncertain Significance.

Ambry Genetics
Classification: Uncertain significance for Inborn genetic diseases. Last evaluated: 2021-09-28. Review status: criteria provided, single submitter. Criteria: Ambry Variant Classification Scheme 2023. Collection method: clinical testing. Allele origin: germline.